The following is an entry in ClinVar:

NM_001348195.2(GPR42):c.153C>T (p.Asp51=)

Gene: GPR42 (G protein-coupled receptor 42; plus strand). Cytogenetic location: 19q13.12.
Variant type: single nucleotide variant.
Coding change: c.153C>T on transcript NM_001348195.2 (MANE Select); coding-DNA position 153, C replaced by T.
Protein change: p.Asp51=; no amino-acid change (aspartic acid 51 retained).
Molecular consequence: synonymous variant.
Genome position (GRCh38, 1-based): chr19:35,371,512, C>T. VCF-style: chr19-35371512-C-T. GRCh37 (hg19) VCF-style: chr19-35862414-C-T.
Identifiers: ClinVar variation 3234419 (VCV003234419.20), dbSNP rs773826615, ClinGen allele CA9377817.

ClinVar aggregate classification (germline): Likely benign (1 of 4 stars; one submission).

Allele frequency attached by ClinVar (database versions not stated): gnomAD 0.00015; ExAC 0.00027.
gnomAD v4.1: 154 of 884,412 alleles (0.017%); highest among the groups gnomAD compares: Non-Finnish European, 0.014%; 57 homozygotes.

Submission:

CeGaT Center for Human Genetics Tuebingen
Classification: Likely benign. Last evaluated: 2024-04-01. Review status: criteria provided, single submitter. Criteria: CeGaT Center For Human Genetics Tuebingen Variant Classification Criteria Version 2. Collection method: clinical testing. Allele origin: germline. Affected: yes. Observed: 1 variant allele.
Comment: GPR42: BP4, BP7, BS2